The following is an entry in ClinVar:

NM_014516.4(CNOT3):c.1456G>A (p.Gly486Ser)

Gene: CNOT3 (CCR4-NOT transcription complex subunit 3; plus strand). Cytogenetic location: 19q13.42.
Variant type: single nucleotide variant.
Coding change: c.1456G>A on transcript NM_014516.4 (MANE Select); coding-DNA position 1456, G replaced by A.
Protein change: p.Gly486Ser; replaces glycine 486 with serine.
Molecular consequence: missense variant.
Genome position (GRCh38, 1-based): chr19:54,149,609, G>A. VCF-style: chr19-54149609-G-A. GRCh37 (hg19) VCF-style: chr19-54653344-G-A.
Other names: short protein forms G486S.
Identifiers: ClinVar variation 2571056 (VCV002571056.27), dbSNP rs2518474615, ClinGen allele CA407766462.

ClinVar aggregate classification (germline): Uncertain significance (1 of 4 stars; one submission).

Allele frequency attached by ClinVar (database versions not stated): gnomAD exomes below 0.00001.

Submission:

CeGaT Center for Human Genetics Tuebingen
Classification: Uncertain significance. Last evaluated: 2023-06-01. Review status: criteria provided, single submitter. Criteria: CeGaT Center For Human Genetics Tuebingen Variant Classification Criteria Version 2. Collection method: clinical testing. Allele origin: germline. Affected: yes. Observed: 1 variant allele.
Comment: CNOT3: PM2